The following is an entry in ClinVar:

ClinVar aggregate classification (germline): Uncertain significance. Review status: criteria provided, multiple submitters, no conflicts (2 of 4 stars). 3 submissions from 3 submitters: Uncertain significance (3). Last evaluated 2025-01-28.

Conditions:
Inborn genetic diseases. Identifiers: MedGen C0950123, MeSH D030342.
Familial hemophagocytic lymphohistiocytosis 5. Also called: STXBP2-Related Familial Hemophagocytic Lymphohistiocytosis (STXBP2-fHLH). Identifiers: Orphanet 540, MedGen C2751293, MONDO:0013135, OMIM 613101.

Allele frequency attached by ClinVar (database versions not stated): gnomAD exomes 0.00001; TOPMed 0.00002; ExAC 0.00003; gnomAD 0.00003 and 0.00004.

Submissions (3):

Ambry Genetics
Classification: Uncertain significance for Inborn genetic diseases. Last evaluated: 2025-01-28. Review status: criteria provided, single submitter. Criteria: Ambry Variant Classification Scheme 2023. Collection method: clinical testing. Allele origin: germline.

Labcorp Genetics (formerly Invitae), Labcorp
Classification: Uncertain significance for Familial hemophagocytic lymphohistiocytosis 5. Last evaluated: 2022-06-20. Review status: criteria provided, single submitter. Criteria: Invitae Variant Classification Sherloc (09022015). Collection method: clinical testing. Allele origin: germline.
Comment: This sequence change replaces glutamic acid, which is acidic and polar, with lysine, which is basic and polar, at codon 558 of the STXBP2 protein (p.Glu558Lys). This variant is present in population databases (rs758554274, gnomAD 0.003%). This variant has not been reported in the literature in individuals affected with STXBP2-related conditions. ClinVar contains an entry for this variant (Variation ID: 330563). Algorithms developed to predict the effect of missense changes on protein structure and function (SIFT, PolyPhen-2, Align-GVGD) all suggest that this variant is likely to be tolerated. In summary, the available evidence is currently insufficient to determine the role of this variant in disease. Therefore, it has been classified as a Variant of Uncertain Significance.

Illumina Laboratory Services, Illumina
Classification: Uncertain significance for Familial hemophagocytic lymphohistiocytosis 5. Last evaluated: 2018-01-13. Review status: criteria provided, single submitter. Criteria: ICSL Variant Classification Criteria 13 December 2019. Collection method: clinical testing. Allele origin: germline.

NM_006949.4(STXBP2):c.1672G>A (p.Glu558Lys)

Gene: STXBP2 (syntaxin binding protein 2; plus strand). Cytogenetic location: 19p13.2.
Variant type: single nucleotide variant.
Coding change: c.1672G>A on transcript NM_006949.4 (MANE Select); coding-DNA position 1672, G replaced by A.
Protein change: p.Glu558Lys; replaces glutamic acid 558 with lysine.
Molecular consequence: missense variant. On other transcripts: non-coding transcript variant (1).
Genome position (GRCh38, 1-based): chr19:7,647,487, G>A. VCF-style: chr19-7647487-G-A. GRCh37 (hg19) VCF-style: chr19-7712373-G-A.
Other names: c.1663G>A, p.Glu555Lys (NM_001127396.3); c.1705G>A, p.Glu569Lys (NM_001272034.2); c.1672G>A (NM_006949.2); short protein forms E558K, E555K, E569K.
Identifiers: ClinVar variation 330563 (VCV000330563.8), dbSNP rs758554274, ClinGen allele CA9144287.